The following is an entry in ClinVar:

NM_000551.4(VHL):c.134_135insAGTTCCTCCGGGCCGGACTCTTCCGGGCC (p.Glu46fs)

Gene: VHL (von Hippel-Lindau tumor suppressor; plus strand). Cytogenetic location: 3p25.3.
Variant type: Insertion.
Coding change: c.134_135insAGTTCCTCCGGGCCGGACTCTTCCGGGCC on transcript NM_000551.4 (MANE Select); coding-DNA positions 134 to 135, AGTTCCTCCGGGCCGGACTCTTCCGGGCC inserted.
Protein change: p.Glu46fs; shifts the reading frame from glutamic acid 46.
Molecular consequence: frameshift variant.
Genome position: GRCh38 VCF-style: chr3-10141979-C-CCCAGTTCCTCCGGGCCGGACTCTTCCGGG. GRCh37 (hg19) VCF-style: chr3-10183663-C-CCCAGTTCCTCCGGGCCGGACTCTTCCGGG.
Other names: c.134_135insAGTTCCTCCGGGCCGGACTCTTCCGGGCC, p.Glu46fs (NM_001354723.2, NM_198156.3); short protein forms E46fs.
Identifiers: ClinVar variation 1692517 (VCV001692517.1), dbSNP rs2125124781, ClinGen allele CA2573136082.

ClinVar aggregate classification (germline): Likely pathogenic (1 of 4 stars; one submission).

Conditions:
Hereditary cancer-predisposing syndrome. Also called: Hereditary Cancer Syndrome; Hereditary neoplastic syndrome; Neoplastic Syndromes, Hereditary; Tumor predisposition. Identifiers: Orphanet 140162, MedGen C0027672, MeSH D009386, MONDO:0015356.

Submission:

Sema4
Classification: Likely pathogenic for Hereditary cancer-predisposing syndrome. Last evaluated: 2021-05-21. Review status: criteria provided, single submitter. Criteria: Sema4 Curation Guidelines. Collection method: curation. Allele origin: germline.
Comment: To the best of our knowledge, the VHL c.134_135insAGTTCCTCCGGGCCGGACTCTTCCGGGCC (p.E46VfsX31) variant has not been reported in individuals with VHL-related disease. This variant causes a frameshift at amino acid 46 that results in premature termination 31 amino acids downstream. At this location, this is predicted to cause nonsense-mediated decay and result in an absent protein (loss of function). This variant is not reported in the population database Genome Aggregation Database (PMID: 32461654). This variant has not been reported in ClinVar. Based on the current evidence available, this variant is interpreted as likely pathogenic.